The following is an entry in ClinVar:

NM_001378457.1(DMXL2):c.2306A>T (p.Tyr769Phe)

Gene: DMXL2 (Dmx like 2; minus strand). Cytogenetic location: 15q21.2.
Variant type: single nucleotide variant.
Coding change: c.2306A>T on transcript NM_001378457.1 (MANE Select); coding-DNA position 2306, A replaced by T.
Protein change: p.Tyr769Phe; replaces tyrosine 769 with phenylalanine.
Molecular consequence: missense variant. On other transcripts: non-coding transcript variant (2).
Genome position (GRCh38, 1-based): chr15:51,536,174, T>A on the plus strand (A>T on the coding strand, the complement: DMXL2 is on the minus strand). VCF-style: chr15-51536174-T-A. GRCh37 (hg19) VCF-style: chr15-51828371-T-A.
Other names: c.2306A>T, p.Tyr769Phe (NM_001174116.3, NM_001174117.3, NM_001378458.1 and 6 more transcripts); c.2066A>T, p.Tyr689Phe (NM_001378464.1); short protein forms Y689F, Y769F.
Identifiers: ClinVar variation 4809922 (VCV004809922.1).

ClinVar aggregate classification (germline): Uncertain significance (1 of 4 stars; one submission).

gnomAD v4.1: 4 of 1,583,386 alleles (0.00025%); highest among the groups gnomAD compares: Non-Finnish European, 0.00034%; no homozygotes.

Submission:

Labcorp Genetics (formerly Invitae), Labcorp
Classification: Uncertain significance. Last evaluated: 2025-09-23. Review status: criteria provided, single submitter. Criteria: Invitae Variant Classification Sherloc (09022015). Collection method: clinical testing. Allele origin: germline.
Comment: This sequence change replaces tyrosine, which is neutral and polar, with phenylalanine, which is neutral and non-polar, at codon 769 of the DMXL2 protein (p.Tyr769Phe). This variant is present in population databases (no rsID available, gnomAD 0.001%). This variant has not been reported in the literature in individuals affected with DMXL2-related conditions. An algorithm developed to predict the effect of missense changes on protein structure and function (PolyPhen-2) suggests that this variant is likely to be disruptive. In summary, the available evidence is currently insufficient to determine the role of this variant in disease. Therefore, it has been classified as a Variant of Uncertain Significance.